The following is an entry in ClinVar:

NM_002234.4(KCNA5):c.1039C>T (p.Pro347Ser)

Gene: KCNA5 (potassium voltage-gated channel subfamily A member 5; plus strand). Cytogenetic location: 12p13.32.
Variant type: single nucleotide variant.
Coding change: c.1039C>T on transcript NM_002234.4 (MANE Select); coding-DNA position 1039, C replaced by T.
Protein change: p.Pro347Ser; replaces proline 347 with serine.
Molecular consequence: missense variant.
Genome position (GRCh38, 1-based): chr12:5,045,186, C>T. VCF-style: chr12-5045186-C-T. GRCh37 (hg19) VCF-style: chr12-5154352-C-T.
Other names: short protein forms P347S.
Identifiers: ClinVar variation 469581 (VCV000469581.10), dbSNP rs752143941, ClinGen allele CA6399792.

ClinVar aggregate classification (germline): Uncertain significance (1 of 4 stars; one submission).

Conditions:
Atrial fibrillation, familial, 7 (ATFB7). Identifiers: MedGen C2677106, MONDO:0012828, OMIM 612240.

Allele frequency attached by ClinVar (database versions not stated): TOPMed below 0.00001; gnomAD 0.00001 and 0.00003; gnomAD exomes 0.00001 and 0.00002; ExAC 0.00003.
gnomAD v4.1: 4 of 1,614,042 alleles (0.00025%); highest among the groups gnomAD compares: Admixed American, 0.005%; no homozygotes.

Submission:

Labcorp Genetics (formerly Invitae), Labcorp
Classification: Uncertain significance for Atrial fibrillation, familial, 7. Last evaluated: 2022-02-28. Review status: criteria provided, single submitter. Criteria: Invitae Variant Classification Sherloc (09022015). Collection method: clinical testing. Allele origin: germline.
Comment: In summary, the available evidence is currently insufficient to determine the role of this variant in disease. Therefore, it has been classified as a Variant of Uncertain Significance. Algorithms developed to predict the effect of missense changes on protein structure and function (SIFT, PolyPhen-2, Align-GVGD) all suggest that this variant is likely to be disruptive. ClinVar contains an entry for this variant (Variation ID: 469581). This variant has not been reported in the literature in individuals affected with KCNA5-related conditions. This variant is present in population databases (rs752143941, gnomAD 0.01%). This sequence change replaces proline, which is neutral and non-polar, with serine, which is neutral and polar, at codon 347 of the KCNA5 protein (p.Pro347Ser).